The following is an entry in ClinVar:

NM_130899.3(GARIN3):c.-11C>G

Gene: GARIN3 (golgi associated RAB2 interactor family member 3; minus strand). Cytogenetic location: 5q33.3.
Variant type: single nucleotide variant.
Coding change: c.-11C>G on transcript NM_130899.3 (MANE Select); 11 bases upstream of the start codon, C replaced by G.
Molecular consequence: 5 prime UTR variant.
Genome position (GRCh38, 1-based): chr5:157,166,179, G>C on the plus strand (C>G on the coding strand, the complement: GARIN3 is on the minus strand). VCF-style: chr5-157166179-G-C. GRCh37 (hg19) VCF-style: chr5-156593190-G-C.
Identifiers: ClinVar variation 4535887 (VCV004535887.1).

ClinVar aggregate classification (germline): Uncertain significance (1 of 4 stars; one submission).

gnomAD v4.1: 1 of 1,590,048 alleles (0.000063%); highest among the groups gnomAD compares: African/African-American, 0.0013%; no homozygotes.

Submission:

Women's Health and Genetics/Laboratory Corporation of America, LabCorp
Classification: Uncertain significance. Last evaluated: 2025-09-02. Review status: criteria provided, single submitter. Criteria: LabCorp Variant Classification Summary - May 2015. Collection method: clinical testing. Allele origin: germline.
Comment: Variant summary: GARIN3 c.-11C>G is located in the untranslated mRNA region upstream of the initiation codon. The variant was absent in 231252 control chromosomes. The available data on variant occurrences in the general population are insufficient to allow any conclusion about variant significance. To our knowledge, no occurrence of c.-11C>G in individuals affected with GARIN3-related conditions and no experimental evidence demonstrating its impact on protein function have been reported. No submitters have cited clinical-significance assessments for this variant to ClinVar. Based on the evidence outlined above, the variant was classified as uncertain significance.